The following is an entry in ClinVar:

ClinVar aggregate classification (germline): Likely pathogenic (1 of 4 stars; one submission).

Conditions:
Spermatogenic failure 18. Identifiers: MedGen C4539783, MONDO:0054615, OMIM 617576.
Ciliary dyskinesia, primary, 37 (CILD37). Also called: CILIARY DYSKINESIA, PRIMARY, 37, WITH OR WITHOUT SITUS INVERSUS. Identifiers: MedGen C4539798, MONDO:0033204, OMIM 617577.

Allele frequency attached by ClinVar (database versions not stated): gnomAD exomes below 0.00001.

Submission:

Labcorp Genetics (formerly Invitae), Labcorp
Classification: Likely pathogenic for Ciliary dyskinesia, primary, 37; Spermatogenic failure 18. Last evaluated: 2022-11-01. Review status: criteria provided, single submitter. Criteria: Invitae Variant Classification Sherloc (09022015). Collection method: clinical testing. Allele origin: germline.
Comment: This variant results in the deletion of part of exon 16 (c.2728_2729+2del) of the DNAH1 gene. It is expected to disrupt RNA splicing. Variants that disrupt the donor or acceptor splice site typically lead to a loss of protein function (PMID: 16199547), and loss-of-function variants in DNAH1 are known to be pathogenic (PMID: 27573432, 27798045). This variant is not present in population databases (gnomAD no frequency). This variant has not been reported in the literature in individuals affected with DNAH1-related conditions. Algorithms developed to predict the effect of sequence changes on RNA splicing suggest that this variant may disrupt the consensus splice site. In summary, the currently available evidence indicates that the variant is pathogenic, but additional data are needed to prove that conclusively. Therefore, this variant has been classified as Likely Pathogenic.

Literature cited by the submitters: PubMed 16199547; PubMed 27573432; PubMed 27798045.

NM_015512.5(DNAH1):c.2728_2729+2del

Gene: DNAH1 (dynein axonemal heavy chain 1; plus strand). Cytogenetic location: 3p21.1.
Variant type: Deletion.
Coding change: c.2728_2729+2del on transcript NM_015512.5 (MANE Select); coding-DNA position 2728 through the canonical splice donor site of the intron after coding-DNA position 2729, 4 bases deleted (AAGT; older notation c.2728_2729+2delAAGT).
Molecular consequence: splice donor variant.
Genome position (GRCh38, 1-based): chr3:52,350,589-52,350,592, AAGT deleted. VCF-style (leftmost placement, unchanged base first): chr3-52350588-CAAGT-C. GRCh37 (hg19) VCF-style: chr3-52384604-CAAGT-C.
Identifiers: ClinVar variation 2923146 (VCV002923146.3), dbSNP rs2471182925, ClinGen allele CA2665991264.
Genomic context (GRCh38, chr3:52,350,588, plus strand): 5'-GGATGACTACCAGGTCATGGATGAATTCCTCTACAACCTCAGCTCAGATGACTTCAATGA[CAAGT>C]GAGTGGGAGCTTGGCCCCCATGCCAGGTGCGGGGTGGAGCATGAGGGGAGCTGCTGAGCT-3'